The following is an entry in ClinVar:

NM_001276270.2(MBD4):c.1030C>G (p.His344Asp)

Gene: MBD4 (methyl-CpG binding domain 4, DNA glycosylase; minus strand). Cytogenetic location: 3q21.3.
Variant type: single nucleotide variant.
Coding change: c.1030C>G on transcript NM_001276270.2 (MANE Select); coding-DNA position 1030, C replaced by G.
Protein change: p.His344Asp; replaces histidine 344 with aspartic acid.
Molecular consequence: missense variant. On other transcripts: intron variant (1).
Genome position (GRCh38, 1-based): chr3:129,436,614, G>C on the plus strand (C>G on the coding strand, the complement: MBD4 is on the minus strand). VCF-style: chr3-129436614-G-C. GRCh37 (hg19) VCF-style: chr3-129155457-G-C.
Other names: c.1030C>G, p.His344Asp (NM_001276271.2, NM_001276272.2, NM_003925.3); c.247+1194C>G (NM_001276273.2); short protein forms H344D.
Identifiers: ClinVar variation 3724981 (VCV003724981.2).

ClinVar aggregate classification (germline): Uncertain significance (1 of 4 stars; one submission).

gnomAD v4.1: 1 of 1,614,084 alleles (0.000062%); highest among the groups gnomAD compares: East Asian, 0.0022%; no homozygotes.

Submission:

Labcorp Genetics (formerly Invitae), Labcorp
Classification: Uncertain significance. Last evaluated: 2024-11-12. Review status: criteria provided, single submitter. Criteria: Invitae Variant Classification Sherloc (09022015). Collection method: clinical testing. Allele origin: germline.
Comment: This sequence change replaces histidine, which is basic and polar, with aspartic acid, which is acidic and polar, at codon 344 of the MBD4 protein (p.His344Asp). This variant is present in population databases (no rsID available, gnomAD 0.006%). This variant has not been reported in the literature in individuals affected with MBD4-related conditions. An algorithm developed to predict the effect of missense changes on protein structure and function outputs the following: PolyPhen-2: "Benign". The aspartic acid amino acid residue is found in multiple mammalian species, which suggests that this missense change does not adversely affect protein function. In summary, the available evidence is currently insufficient to determine the role of this variant in disease. Therefore, it has been classified as a Variant of Uncertain Significance.